The following is an entry in ClinVar:

ClinVar aggregate classification (germline): Uncertain significance (1 of 4 stars; one submission).

gnomAD v4.1: 19 of 1,574,384 alleles (0.0012%); highest among the groups gnomAD compares: Admixed American, 0.0017%; no homozygotes.

Submission:

Labcorp Genetics (formerly Invitae), Labcorp
Classification: Uncertain significance. Last evaluated: 2024-12-24. Review status: criteria provided, single submitter. Criteria: Invitae Variant Classification Sherloc (09022015). Collection method: clinical testing. Allele origin: germline.
Comment: This sequence change replaces tyrosine, which is neutral and polar, with histidine, which is basic and polar, at codon 317 of the JAK2 protein (p.Tyr317His). This variant is present in population databases (rs758780829, gnomAD 0.004%). This missense change has been observed in individual(s) with erythrocytosis (PMID: 36647302). Invitae Evidence Modeling of protein sequence and biophysical properties (such as structural, functional, and spatial information, amino acid conservation, physicochemical variation, residue mobility, and thermodynamic stability) indicates that this missense variant is expected to disrupt JAK2 protein function with a positive predictive value of 80%. Experimental studies have shown that this missense change affects JAK2 function (PMID: 28473624). In summary, the available evidence is currently insufficient to determine the role of this variant in disease. Therefore, it has been classified as a Variant of Uncertain Significance.

Literature cited by the submitters: PubMed 36647302; PubMed 28473624.

NM_004972.4(JAK2):c.949T>C (p.Tyr317His)

Genes: INSL6 (insulin like 6; minus strand), JAK2 (Janus kinase 2; plus strand). Cytogenetic location: 9p24.1.
Variant type: single nucleotide variant.
Coding change: c.949T>C on transcript NM_004972.4 (MANE Select); coding-DNA position 949, T replaced by C.
Protein change: p.Tyr317His; replaces tyrosine 317 with histidine.
Molecular consequence: missense variant. On other transcripts: 5 prime UTR variant (2), non-coding transcript variant (2).
Genome position (GRCh38, 1-based): chr9:5,055,681, T>C. VCF-style: chr9-5055681-T-C. GRCh37 (hg19) VCF-style: chr9-5055681-T-C.
Other names: c.949T>C, p.Tyr317His (NM_001322194.2, NM_001322195.2, NM_001322196.2); c.-267T>C (NM_001322198.2, NM_001322199.2); c.502T>C, p.Tyr168His (NM_001322204.2); short protein forms Y317H, Y168H.
Identifiers: ClinVar variation 3716246 (VCV003716246.2).
Genomic context (GRCh38, chr9:5,055,681, plus strand): 5'-GCTCTGTAAATTCTACCCGTTTTTAATTTTACATGCTTTTAATTATAGGATTTACAGTTA[T>C]ATTGCGATTTTCCTAATATTATTGATGTCAGTATTAAGCAAGCAAACCAAGAGGGTTCAA-3'
Protein context (NP_004963.1, residues 307-327): ETLTEQDLQL[Tyr317His]CDFPNIIDVS